The following is an entry in ClinVar:

NM_000173.7(GP1BA):c.1514G>A (p.Arg505His)

Gene: GP1BA (glycoprotein Ib platelet subunit alpha; plus strand). Cytogenetic location: 17p13.2.
Variant type: single nucleotide variant.
Coding change: c.1514G>A on transcript NM_000173.7 (MANE Select); coding-DNA position 1514, G replaced by A.
Protein change: p.Arg505His; replaces arginine 505 with histidine.
Molecular consequence: missense variant.
Genome position (GRCh38, 1-based): chr17:4,934,118, G>A. VCF-style: chr17-4934118-G-A. GRCh37 (hg19) VCF-style: chr17-4837413-G-A.
Other names: c.1514G>A (NM_000173.6); short protein forms R505H.
Identifiers: ClinVar variation 4621004 (VCV004621004.2).

ClinVar aggregate classification (germline): Uncertain significance. Review status: criteria provided, multiple submitters, no conflicts (2 of 4 stars). 2 submissions from 2 submitters: Uncertain significance (2). Last evaluated 2025-10-28.

Conditions:
GP1BA-related disorder. Also called: GP1BA-related condition.
Inborn genetic diseases. Identifiers: MedGen C0950123, MeSH D030342.

gnomAD v4.1: 21 of 1,613,650 alleles (0.0013%); highest among the groups gnomAD compares: African/African-American, 0.012%; no homozygotes.

Submissions (2):

Ambry Genetics
Classification: Uncertain significance for Inborn genetic diseases. Last evaluated: 2025-10-28. Review status: criteria provided, single submitter. Criteria: Ambry Variant Classification Scheme 2023. Collection method: clinical testing. Allele origin: germline.

PreventionGenetics, part of Exact Sciences
Classification: Uncertain significance for GP1BA-related condition. Last evaluated: 2025-10-19. Review status: criteria provided, single submitter. Criteria: ACMG Guidelines, 2015. Collection method: clinical testing. Allele origin: germline.
Comment: The GP1BA c.1514G>A variant is predicted to result in the amino acid substitution p.Arg505His. To our knowledge, this variant has not been reported in the literature. This variant is reported in 0.017% of alleles in individuals of African descent in gnomAD. At this time, the clinical significance of this variant is uncertain due to the absence of conclusive functional and genetic evidence.